The following is an entry in ClinVar:

NM_014865.4(NCAPD2):c.2672A>G (p.Gln891Arg)

Gene: NCAPD2 (non-SMC condensin I complex subunit D2; plus strand). Cytogenetic location: 12p13.31.
Variant type: single nucleotide variant.
Coding change: c.2672A>G on transcript NM_014865.4 (MANE Select); coding-DNA position 2672, A replaced by G.
Protein change: p.Gln891Arg; replaces glutamine 891 with arginine.
Molecular consequence: missense variant.
Genome position (GRCh38, 1-based): chr12:6,526,553, A>G. VCF-style: chr12-6526553-A-G. GRCh37 (hg19) VCF-style: chr12-6635719-A-G.
Other names: short protein forms Q891R.
Identifiers: ClinVar variation 4891189 (VCV004891189.1).
Genomic context (GRCh38, chr12:6,526,553, plus strand): 5'-CAGTGACCCTCATTTACCAACTGGCAGAGGGCCCCGAAGTGATCTGTGCCCAGATATTGC[A>G]GGGCTGTGCAAAACAGGCCCTGGAGAAGCTAGAAGAGAAGAGAACCAGTCAGGAGGACCC-3'
Protein context (NP_055680.3, residues 881-901): GPEVICAQIL[Gln891Arg]GCAKQALEKL

ClinVar aggregate classification (germline): Uncertain significance (1 of 4 stars; one submission).

Submission:

Greenwood Genetic Center Diagnostic Laboratories, Greenwood Genetic Center
Classification: Uncertain significance. Last evaluated: 2026-04-02. Review status: criteria provided, single submitter. Criteria: ACMG Guidelines, 2015. Collection method: clinical testing. Allele origin: germline.
Comment: Gene of Uncertain Significance